The following is an entry in ClinVar:

ClinVar aggregate classification (germline): Uncertain significance (1 of 4 stars; one submission).

Conditions:
Schimke immuno-osseous dysplasia (SIOD). Also called: Schimke Immunoosseous Dysplasia. Identifiers: Orphanet 1830, MedGen C0877024, MONDO:0009458, OMIM 242900.

Submission:

Labcorp Genetics (formerly Invitae), Labcorp
Classification: Uncertain significance for Schimke immuno-osseous dysplasia. Last evaluated: 2022-05-30. Review status: criteria provided, single submitter. Criteria: Invitae Variant Classification Sherloc (09022015). Collection method: clinical testing. Allele origin: germline.
Comment: In summary, the available evidence is currently insufficient to determine the role of this variant in disease. Therefore, it has been classified as a Variant of Uncertain Significance. Algorithms developed to predict the effect of missense changes on protein structure and function (SIFT, PolyPhen-2, Align-GVGD) all suggest that this variant is likely to be tolerated. This variant has not been reported in the literature in individuals affected with SMARCAL1-related conditions. This variant is not present in population databases (gnomAD no frequency). This sequence change replaces lysine, which is basic and polar, with glutamic acid, which is acidic and polar, at codon 682 of the SMARCAL1 protein (p.Lys682Glu).

NM_014140.4(SMARCAL1):c.2044A>G (p.Lys682Glu)

Gene: SMARCAL1 (SNF2 related chromatin remodeling annealing helicase 1; plus strand). Cytogenetic location: 2q35.
Variant type: single nucleotide variant.
Coding change: c.2044A>G on transcript NM_014140.4 (MANE Select); coding-DNA position 2044, A replaced by G.
Protein change: p.Lys682Glu; replaces lysine 682 with glutamic acid.
Molecular consequence: missense variant.
Genome position (GRCh38, 1-based): chr2:216,451,038, A>G. VCF-style: chr2-216451038-A-G. GRCh37 (hg19) VCF-style: chr2-217315761-A-G.
Other names: c.2044A>G, p.Lys682Glu (NM_001127207.2); short protein forms K682E.
Identifiers: ClinVar variation 2000969 (VCV002000969.4), dbSNP rs2469017213, ClinGen allele CA350502282.